The following is an entry in ClinVar:

NM_001364905.1(LRBA):c.4908A>G (p.Ala1636=)

Gene: LRBA (LPS responsive beige-like anchor protein; minus strand). Cytogenetic location: 4q31.3.
Variant type: single nucleotide variant.
Coding change: c.4908A>G on transcript NM_001364905.1 (MANE Select); coding-DNA position 4908, A replaced by G.
Protein change: p.Ala1636=; no amino-acid change (alanine 1636 retained).
Molecular consequence: synonymous variant.
Genome position (GRCh38, 1-based): chr4:150,828,443, T>C on the plus strand (A>G on the coding strand, the complement: LRBA is on the minus strand). VCF-style: chr4-150828443-T-C. GRCh37 (hg19) VCF-style: chr4-151749595-T-C.
Other names: c.4908A>G, p.Ala1636= (NM_001199282.3, NM_001367550.1, NM_006726.5).
Identifiers: ClinVar variation 1977241 (VCV001977241.7), dbSNP rs1443929204, ClinGen allele CA442002767.
Genomic context (GRCh38, chr4:150,828,443, plus strand): 5'-ATTTTTGGTTTCCGGAGACTTATTGACTTCTAAAGAAAGAGTAGATAGCACCTCGCTGAT[T>C]GCATCTGGGCCTGCACTGACACCAGGAGGTGCTGTGTGAGGAGTTACTTCCACATGGCTT-3'
Protein context (NP_001351834.1, residues 1626-1646): APPGVSAGPD[Ala1636=]ISEVLSTLSL

ClinVar aggregate classification (germline): Likely benign. Review status: criteria provided, single submitter (1 of 4 stars). 2 submissions from 2 submitters: Likely benign (1). 1 of the submissions does not count toward it. Last evaluated 2022-03-27.

Conditions:
LRBA-related disorder. Also called: LRBA-related condition.
Combined immunodeficiency due to LRBA deficiency. Also called: Common variable immunodeficiency 8, with autoimmunity. Identifiers: Orphanet 445018, MedGen C3553512, MONDO:0013863, OMIM 614700.

gnomAD v4.1: 2 of 1,614,190 alleles (0.00012%); highest among the groups gnomAD compares: Non-Finnish European, 0.00017%; no homozygotes.

Submissions (2):

Labcorp Genetics (formerly Invitae), Labcorp
Classification: Likely benign for Combined immunodeficiency due to LRBA deficiency. Last evaluated: 2022-03-27. Review status: criteria provided, single submitter. Criteria: Invitae Variant Classification Sherloc (09022015). Collection method: clinical testing. Allele origin: germline.

PreventionGenetics, part of Exact Sciences
Classification: Likely benign for LRBA-related condition. Last evaluated: 2023-12-08. Review status: no assertion criteria provided. Collection method: clinical testing. Allele origin: germline. Not counted in ClinVar's aggregate classification.
Comment: This variant is classified as likely benign based on ACMG/AMP sequence variant interpretation guidelines (Richards et al. 2015 PMID: 25741868, with internal and published modifications).